The following is an entry in ClinVar:

ClinVar aggregate classification (germline): Uncertain significance. Review status: criteria provided, multiple submitters, no conflicts (2 of 4 stars). 2 submissions from 2 submitters: Uncertain significance (2). Last evaluated 2025-11-23.

Conditions:
Inborn genetic diseases. Identifiers: MedGen C0950123, MeSH D030342.

Submissions (2):

Labcorp Genetics (formerly Invitae), Labcorp
Classification: Uncertain significance. Last evaluated: 2025-11-23. Review status: criteria provided, single submitter. Criteria: Invitae Variant Classification Sherloc (09022015). Collection method: clinical testing. Allele origin: germline.
Comment: This sequence change replaces proline, which is neutral and non-polar, with histidine, which is basic and polar, at codon 171 of the MLPH protein (p.Pro171His). This variant is present in population databases (rs370591437, gnomAD 0.007%). This variant has not been reported in the literature in individuals affected with MLPH-related conditions. Invitae Evidence Modeling of protein sequence and biophysical properties (such as structural, functional, and spatial information, amino acid conservation, physicochemical variation, residue mobility, and thermodynamic stability) indicates that this missense variant is not expected to disrupt MLPH protein function with a negative predictive value of 80%. In summary, the available evidence is currently insufficient to determine the role of this variant in disease. Therefore, it has been classified as a Variant of Uncertain Significance.

Ambry Genetics
Classification: Uncertain significance for Inborn genetic diseases. Last evaluated: 2025-10-07. Review status: criteria provided, single submitter. Criteria: Ambry Variant Classification Scheme 2023. Collection method: clinical testing. Allele origin: germline.

NM_024101.7(MLPH):c.512C>A (p.Pro171His)

Gene: MLPH (melanophilin; plus strand). Cytogenetic location: 2q37.3.
Variant type: single nucleotide variant.
Coding change: c.512C>A on transcript NM_024101.7 (MANE Select); coding-DNA position 512, C replaced by A.
Protein change: p.Pro171His; replaces proline 171 with histidine.
Molecular consequence: missense variant. On other transcripts: non-coding transcript variant (1).
Genome position (GRCh38, 1-based): chr2:237,518,605, C>A. VCF-style: chr2-237518605-C-A. GRCh37 (hg19) VCF-style: chr2-238427248-C-A.
Other names: c.512C>A, p.Pro171His (NM_001042467.3, NM_001281473.2, NM_001281474.2); short protein forms P171H.
Identifiers: ClinVar variation 4625054 (VCV004625054.2).